The following is an entry in ClinVar:

NM_014956.5(CEP164):c.1234G>A (p.Asp412Asn)

Gene: CEP164 (centrosomal protein 164; plus strand). Cytogenetic location: 11q23.3.
Variant type: single nucleotide variant.
Coding change: c.1234G>A on transcript NM_014956.5 (MANE Select); coding-DNA position 1234, G replaced by A.
Protein change: p.Asp412Asn; replaces aspartic acid 412 with asparagine.
Molecular consequence: missense variant.
Genome position (GRCh38, 1-based): chr11:117,375,708, G>A. VCF-style: chr11-117375708-G-A. GRCh37 (hg19) VCF-style: chr11-117246424-G-A.
Other names: c.1234G>A, p.Asp412Asn (NM_001271933.2); short protein forms D412N.
Identifiers: ClinVar variation 1010478 (VCV001010478.8), dbSNP rs2042669971, ClinGen allele CA382739930.
Genomic context (GRCh38, chr11:117,375,708, plus strand): 5'-CCTGGTGGGTGTTGACTGTGACAGAGGCAGAGTTGACCTTTGCATCTCCACTGTCTCCAG[G>A]ACTTCGGTTTTCGCAGCCGGATCTCGGAGCACCTGCTGGATGTTGATGTGCTTTCCCCAG-3'
Protein context (NP_055771.4, residues 402-422): ASDPKSFHGL[Asp412Asn]FGFRSRISEH

ClinVar aggregate classification (germline): Uncertain significance (1 of 4 stars; one submission).

Conditions:
Nephronophthisis 15 (NPHP15). Identifiers: Orphanet 3156, MedGen C3541853, MONDO:0013917, OMIM 614845.

Allele frequency attached by ClinVar (database versions not stated): gnomAD exomes below 0.00001.
gnomAD v4.1: 5 of 1,614,114 alleles (0.00031%); highest among the groups gnomAD compares: Non-Finnish European, 0.00042%; no homozygotes.

Submission:

Labcorp Genetics (formerly Invitae), Labcorp
Classification: Uncertain significance for Nephronophthisis 15. Last evaluated: 2020-07-30. Review status: criteria provided, single submitter. Criteria: Invitae Variant Classification Sherloc (09022015). Collection method: clinical testing. Allele origin: germline.
Comment: This sequence change replaces aspartic acid with asparagine at codon 412 of the CEP164 protein (p.Asp412Asn). The aspartic acid residue is highly conserved and there is a small physicochemical difference between aspartic acid and asparagine. In summary, the available evidence is currently insufficient to determine the role of this variant in disease. Therefore, it has been classified as a Variant of Uncertain Significance. Algorithms developed to predict the effect of missense changes on protein structure and function are either unavailable or do not agree on the potential impact of this missense change (SIFT: "Tolerated"; PolyPhen-2: "Probably Damaging"; Align-GVGD: "Class C0"). This variant has not been reported in the literature in individuals with CEP164-related conditions. This variant is not present in population databases (ExAC no frequency).